The following is an entry in ClinVar:

NM_001127228.2(CBX1):c.214A>C (p.Lys72Gln)

Gene: CBX1 (chromobox 1; minus strand). Cytogenetic location: 17q21.32.
Variant type: single nucleotide variant.
Coding change: c.214A>C on transcript NM_001127228.2 (MANE Select); coding-DNA position 214, A replaced by C.
Protein change: p.Lys72Gln; replaces lysine 72 with glutamine.
Molecular consequence: missense variant.
Genome position (GRCh38, 1-based): chr17:48,076,105, T>G on the plus strand (A>C on the coding strand, the complement: CBX1 is on the minus strand). VCF-style: chr17-48076105-T-G. GRCh37 (hg19) VCF-style: chr17-46153467-T-G.
Other names: c.214A>C, p.Lys72Gln (NM_006807.5); short protein forms K72Q.
Identifiers: ClinVar variation 4531663 (VCV004531663.1).

ClinVar aggregate classification (germline): Uncertain significance (1 of 4 stars; one submission).

Conditions:
Neurodevelopmental disorder. Identifiers: MedGen C1535926, MeSH D065886, MONDO:0700092.

Submission:

Victorian Clinical Genetics Services, Murdoch Childrens Research Institute
Classification: Uncertain significance for Neurodevelopmental disorder. Last evaluated: 2025-07-24. Review status: criteria provided, single submitter. Criteria: ACMG Guidelines, 2015. Collection method: clinical testing. Allele origin: germline. Affected: yes.
Comment: This variant is classified as VUS-3C. Evidence in support of pathogenic classification: Variant is absent from gnomAD (v2, v3 and v4). Additional information: Variant is predicted to result in a missense amino acid change from lysine to glutamine; This variant is heterozygous; This gene is associated with autosomal dominant disease; Alternative amino acid change(s) at the same position are present in gnomAD (Highest allele count: v4: 1 heterozygote(s), 0 homozygote(s)); This variant has no previous evidence of pathogenicity; No published segregation evidence has been identified for this variant; No published functional evidence has been identified for this variant; No comparable missense variants have previous evidence for pathogenicity; Variant is located in the annotated chromodomain (PMID: 37087635); Missense variant with inconclusive in silico prediction and uninformative conservation; The mechanism of disease for this gene is not clearly established. However, a dominant negative mechanism of disease has been suggested (PMID: 37087635).

Literature cited by the submitters: PubMed 37087635.